The following is an entry in ClinVar:

NM_003873.7(NRP1):c.60C>T (p.Gly20=)

Gene: NRP1 (neuropilin 1; minus strand). Cytogenetic location: 10p11.22.
Variant type: single nucleotide variant.
Coding change: c.60C>T on transcript NM_003873.7 (MANE Select); coding-DNA position 60, C replaced by T.
Protein change: p.Gly20=; no amino-acid change (glycine 20 retained).
Molecular consequence: synonymous variant. On other transcripts: non-coding transcript variant (1).
Genome position (GRCh38, 1-based): chr10:33,334,323, G>A on the plus strand (C>T on the coding strand, the complement: NRP1 is on the minus strand). VCF-style: chr10-33334323-G-A. GRCh37 (hg19) VCF-style: chr10-33623251-G-A.
Other names: c.60C>T, p.Gly20= (NM_001024628.3, NM_001024629.3, NM_001244972.2 and 2 more transcripts).
Identifiers: ClinVar variation 3057002 (VCV003057002.2), dbSNP rs3750733, ClinGen allele CA5467053.

ClinVar aggregate classification (germline): Benign (0 of 4 stars; one submission).

Conditions:
NRP1-related disorder. Also called: NRP1-related condition.

Allele frequency attached by ClinVar (database versions not stated): ESP Exome Variant Server 0.05544; TOPMed 0.07778; gnomAD 0.07999; gnomAD exomes 0.09527; 1000 Genomes Project 30x 0.11899; 1000 Genomes Project 0.12440; ExAC 0.15273.
gnomAD v4.1: 144,844 of 1,542,044 alleles (9.4%); highest among the groups gnomAD compares: East Asian, 20%; 7,778 homozygotes.

Submission:

PreventionGenetics, part of Exact Sciences
Classification: Benign for NRP1-related condition. Last evaluated: 2022-08-01. Review status: no assertion criteria provided. Collection method: clinical testing. Allele origin: germline.
Comment: This variant is classified as benign based on ACMG/AMP sequence variant interpretation guidelines (Richards et al. 2015 PMID: 25741868, with internal and published modifications).